The following is an entry in ClinVar:

NM_001046.3(SLC12A2):c.356A>G (p.Asp119Gly)

Gene: SLC12A2 (solute carrier family 12 member 2; plus strand). Cytogenetic location: 5q23.3.
Variant type: single nucleotide variant.
Coding change: c.356A>G on transcript NM_001046.3 (MANE Select); coding-DNA position 356, A replaced by G.
Protein change: p.Asp119Gly; replaces aspartic acid 119 with glycine.
Molecular consequence: missense variant. On other transcripts: non-coding transcript variant (1).
Genome position (GRCh38, 1-based): chr5:128,084,310, A>G. VCF-style: chr5-128084310-A-G. GRCh37 (hg19) VCF-style: chr5-127420002-A-G.
Other names: c.356A>G, p.Asp119Gly (NM_001256461.2); short protein forms D119G.
Identifiers: ClinVar variation 1937662 (VCV001937662.6), dbSNP rs375182518, ClinGen allele CA3392774.

ClinVar aggregate classification (germline): Uncertain significance. Review status: criteria provided, multiple submitters, no conflicts (2 of 4 stars). 2 submissions from 2 submitters: Uncertain significance (2). Last evaluated 2022-09-21.

Conditions:
Inborn genetic diseases. Identifiers: MedGen C0950123, MeSH D030342.

Allele frequency attached by ClinVar (database versions not stated): gnomAD 0.00001; TOPMed 0.00002; gnomAD exomes 0.00003; ESP Exome Variant Server 0.00008; ExAC 0.00016.
gnomAD v4.1: 42 of 1,526,432 alleles (0.0028%); highest among the groups gnomAD compares: Non-Finnish European, 0.0033%; no homozygotes.

Submissions (2):

Labcorp Genetics (formerly Invitae), Labcorp
Classification: Uncertain significance. Last evaluated: 2022-09-21. Review status: criteria provided, single submitter. Criteria: Invitae Variant Classification Sherloc (09022015). Collection method: clinical testing. Allele origin: germline.
Comment: Advanced modeling of protein sequence and biophysical properties (such as structural, functional, and spatial information, amino acid conservation, physicochemical variation, residue mobility, and thermodynamic stability) performed at Invitae indicates that this missense variant is not expected to disrupt SLC12A2 protein function. This variant has not been reported in the literature in individuals affected with SLC12A2-related conditions. This variant is present in population databases (rs375182518, gnomAD 0.004%). This sequence change replaces aspartic acid, which is acidic and polar, with glycine, which is neutral and non-polar, at codon 119 of the SLC12A2 protein (p.Asp119Gly). In summary, the available evidence is currently insufficient to determine the role of this variant in disease. Therefore, it has been classified as a Variant of Uncertain Significance.

Ambry Genetics
Classification: Uncertain significance for Inborn genetic diseases. Last evaluated: 2021-06-21. Review status: criteria provided, single submitter. Criteria: Ambry Variant Classification Scheme 2023. Collection method: clinical testing. Allele origin: germline.